The following is an entry in ClinVar:

NM_138295.5(PKD1L1):c.8526+9A>T

Gene: PKD1L1 (polycystin 1 like 1, transient receptor potential channel interacting; minus strand). Cytogenetic location: 7p12.3.
Variant type: single nucleotide variant.
Coding change: c.8526+9A>T on transcript NM_138295.5 (MANE Select); 9 bases into the intron after coding-DNA position 8526, A replaced by T.
Molecular consequence: intron variant.
Genome position (GRCh38, 1-based): chr7:47,792,618, T>A on the plus strand (A>T on the coding strand, the complement: PKD1L1 is on the minus strand). VCF-style: chr7-47792618-T-A. GRCh37 (hg19) VCF-style: chr7-47832216-T-A.
Identifiers: ClinVar variation 4977105 (VCV004977105.1).

ClinVar aggregate classification (germline): Likely benign (1 of 4 stars; one submission).

Conditions:
PKD1L1-related disorder. Also called: PKD1L1-related condition.

gnomAD v4.1: 26 of 1,575,024 alleles (0.0017%); highest among the groups gnomAD compares: Non-Finnish European, 0.0022%; no homozygotes.

Submission:

PreventionGenetics, part of Exact Sciences
Classification: Likely benign for PKD1L1-related condition. Last evaluated: 2025-11-07. Review status: criteria provided, single submitter. Criteria: ACMG Guidelines, 2015. Collection method: clinical testing. Allele origin: germline.
Comment: This variant is classified as likely benign based on ACMG/AMP sequence variant interpretation guidelines (Richards et al. 2015 PMID: 25741868, with internal and published modifications).